The following is an entry in ClinVar:

NM_006005.3(WFS1):c.2623G>T (p.Val875Leu)

Gene: WFS1 (wolframin ER transmembrane glycoprotein; plus strand). Cytogenetic location: 4p16.1.
Variant type: single nucleotide variant.
Coding change: c.2623G>T on transcript NM_006005.3 (MANE Select); coding-DNA position 2623, G replaced by T.
Protein change: p.Val875Leu; replaces valine 875 with leucine.
Molecular consequence: missense variant.
Genome position (GRCh38, 1-based): chr4:6,302,418, G>T. VCF-style: chr4-6302418-G-T. GRCh37 (hg19) VCF-style: chr4-6304145-G-T.
Other names: c.2623G>T, p.Val875Leu (NM_001145853.1); short protein forms V875L.
Identifiers: ClinVar variation 2708023 (VCV002708023.4), dbSNP rs547459104, ClinGen allele CA356179527.
Genomic context (GRCh38, chr4:6,302,418, plus strand): 5'-TCACCCACCAGGCGGCACGTGAAGATCGAGCACGACTGGCGCAGCACCGTGCATGGCGCC[G>T]TGAAGTTCGCCTTCGACTTCTTTTTCTTCCCATTCCTGTCGGCGGCCTGAGGATGGTCCG-3'
Protein context (NP_005996.2, residues 865-885): HDWRSTVHGA[Val875Leu]KFAFDFFFFP

ClinVar aggregate classification (germline): Uncertain significance. Review status: criteria provided, multiple submitters, no conflicts (2 of 4 stars). 2 submissions from 2 submitters: Uncertain significance (2). Last evaluated 2025-05-02.

gnomAD v4.1: 2 of 1,613,160 alleles (0.00012%); highest among the groups gnomAD compares: Non-Finnish European, 0.00017%; no homozygotes.

Submissions (2):

GeneDx
Classification: Uncertain significance. Last evaluated: 2025-05-02. Review status: criteria provided, single submitter. Criteria: GeneDx Variant Classification Process June 2021. Collection method: clinical testing. Allele origin: germline. Affected: yes.
Comment: Not observed at significant frequency in large population cohorts (gnomAD); In silico analysis suggests that this missense variant does not alter protein structure/function; Has not been previously published as pathogenic or benign to our knowledge

Labcorp Genetics (formerly Invitae), Labcorp
Classification: Uncertain significance. Last evaluated: 2024-01-06. Review status: criteria provided, single submitter. Criteria: Invitae Variant Classification Sherloc (09022015). Collection method: clinical testing. Allele origin: germline.
Comment: This sequence change replaces valine, which is neutral and non-polar, with leucine, which is neutral and non-polar, at codon 875 of the WFS1 protein (p.Val875Leu). The frequency data for this variant in the population databases is considered unreliable, as metrics indicate poor data quality at this position in the gnomAD database. This variant has not been reported in the literature in individuals affected with WFS1-related conditions. Advanced modeling of protein sequence and biophysical properties (such as structural, functional, and spatial information, amino acid conservation, physicochemical variation, residue mobility, and thermodynamic stability) performed at Invitae indicates that this missense variant is not expected to disrupt WFS1 protein function with a negative predictive value of 95%. In summary, the available evidence is currently insufficient to determine the role of this variant in disease. Therefore, it has been classified as a Variant of Uncertain Significance.